The following is an entry in ClinVar:

ClinVar aggregate classification (germline): Likely pathogenic. Review status: criteria provided, multiple submitters, no conflicts (2 of 4 stars). 2 submissions from 2 submitters: Likely pathogenic (2). Last evaluated 2025-08-03.

Conditions:
TTN-related disorder. Also called: TTN-related condition; TTN-related disease; TTN-related disorders.
Dilated cardiomyopathy 1G (CMD1G). Identifiers: Orphanet 154, MedGen C1858763, MONDO:0011400, OMIM 604145.
Autosomal recessive limb-girdle muscular dystrophy type 2J (LGMDR10). Also called: Limb-girdle muscular dystrophy, type 2J; MUSCULAR DYSTROPHY, LIMB-GIRDLE, AUTOSOMAL RECESSIVE 10. Identifiers: Orphanet 140922, MedGen C1837342, MONDO:0012127, OMIM 608807.

Submissions (2):

Labcorp Genetics (formerly Invitae), Labcorp
Classification: Likely pathogenic for Dilated cardiomyopathy 1G; Autosomal recessive limb-girdle muscular dystrophy type 2J. Last evaluated: 2025-08-03. Review status: criteria provided, single submitter. Criteria: Invitae Variant Classification Sherloc (09022015). Collection method: clinical testing. Allele origin: germline.
Comment: This sequence change creates a premature translational stop signal (p.Val15219*) in the TTN gene. While this is not anticipated to result in nonsense mediated decay, it is expected to create a truncated TTN protein. This variant is not present in population databases (gnomAD no frequency). This variant has not been reported in the literature in individuals affected with TTN-related conditions. This variant is located in the I band of TTN (PMID: 25589632). Truncating variants in this region have been reported in individuals affected with autosomal recessive centronuclear myopathy (PMID: 23975875, internal data). Truncating variants in this region have also been identified in individuals affected with autosomal dominant dilated cardiomyopathy and/or cardio-related conditions (PMID: 27869827, 32964742, internal data). In summary, the currently available evidence indicates that the variant is pathogenic, but additional data are needed to prove that conclusively. Therefore, this variant has been classified as Likely Pathogenic.

Blueprint Genetics
Classification: Likely pathogenic for TTN-related disorders. Last evaluated: 2024-08-13. Review status: criteria provided, single submitter. Criteria: ACMG Guidelines, 2015. Collection method: clinical testing. Allele origin: germline. Affected: yes. Observed: 2 variant alleles.

Literature cited by the submitters: PubMed 25589632 (cited by Labcorp Genetics (formerly Invitae), Labcorp); PubMed 23975875 (cited by Labcorp Genetics (formerly Invitae), Labcorp); PubMed 27869827 (cited by Labcorp Genetics (formerly Invitae), Labcorp); PubMed 32964742 (cited by Labcorp Genetics (formerly Invitae), Labcorp).

NM_001267550.2(TTN):c.45655del (p.Arg15218_Val15219insTer)

Gene: TTN (titin; minus strand). Cytogenetic location: 2q31.2.
Variant type: Deletion.
Coding change: c.45655del on transcript NM_001267550.2 (MANE Select); coding-DNA position 45655, one base deleted (G; older notation c.45655delG).
Protein change: p.Arg15218_Val15219insTer.
Molecular consequence: nonsense.
Genome position (GRCh38, 1-based): chr2:178,620,955, C deleted on the plus strand (G on the coding strand, the reverse complement: TTN is on the minus strand); the first of 3 consecutive C bases (chr2:178,620,955-178,620,957); deleting any one gives the same sequence. VCF-style (leftmost placement, unchanged base first): chr2-178620954-AC-A. GRCh37 (hg19) VCF-style: chr2-179485681-AC-A.
Other names: c.40732del, p.Arg13577_Val13578insTer (NM_001256850.1); c.18460del, p.Arg6153_Val6154insTer (NM_003319.4); c.37951del, p.Arg12650_Val12651insTer (NM_133378.4); c.18835del, p.Arg6278_Val6279insTer (NM_133432.3); c.19036del, p.Arg6345_Val6346insTer (NM_133437.4).
Identifiers: ClinVar variation 4785363 (VCV004785363.2).